The following is an entry in ClinVar:

NM_001015880.2(PAPSS2):c.1774G>A (p.Glu592Lys)

Gene: PAPSS2 (3'-phosphoadenosine 5'-phosphosulfate synthase 2; plus strand). Cytogenetic location: 10q23.31.
Variant type: single nucleotide variant.
Coding change: c.1774G>A on transcript NM_001015880.2 (MANE Select); coding-DNA position 1774, G replaced by A.
Protein change: p.Glu592Lys; replaces glutamic acid 592 with lysine.
Molecular consequence: missense variant.
Genome position (GRCh38, 1-based): chr10:87,745,884, G>A. VCF-style: chr10-87745884-G-A. GRCh37 (hg19) VCF-style: chr10-89505641-G-A.
Other names: c.1759G>A, p.Glu587Lys (NM_004670.4); short protein forms E592K, E587K.
Identifiers: ClinVar variation 1408873 (VCV001408873.3), dbSNP rs374912864, ClinGen allele CA5589851.
Genomic context (GRCh38, chr10:87,745,884, plus strand): 5'-TGTAACAGGCACAATGAGTTTGACTTCATCTCAGGAACTCGAATGAGGAAGCTCGCCCGG[G>A]AAGGAGAGAATCCCCCAGATGGCTTCATGGCCCCCAAAGCATGGAAGGTCCTGACAGATT-3'
Protein context (NP_001015880.1, residues 582-602): SGTRMRKLAR[Glu592Lys]GENPPDGFMA

ClinVar aggregate classification (germline): Uncertain significance (1 of 4 stars; one submission).

Conditions:
Spondyloepimetaphyseal dysplasia, PAPSS2 type. Also called: BRACHYOLMIA TYPE 4 WITH MILD EPIPHYSEAL AND METAPHYSEAL CHANGES; SPONDYLODYSPLASIA AND PREMATURE PUBARCHE; SEMD, PAKISTANI TYPE. Identifiers: Orphanet 93282, MedGen C2748516, MONDO:0019666, OMIM 612847.

Allele frequency attached by ClinVar (database versions not stated): ExAC 0.00003; gnomAD exomes 0.00003 and 0.00006; TOPMed 0.00003; gnomAD 0.00006; ESP Exome Variant Server 0.00015.
gnomAD v4.1: 87 of 1,613,966 alleles (0.0054%); highest among the groups gnomAD compares: Non-Finnish European, 0.0069%; no homozygotes.

Submission:

Labcorp Genetics (formerly Invitae), Labcorp
Classification: Uncertain significance for Spondyloepimetaphyseal dysplasia, PAPSS2 type. Last evaluated: 2021-10-09. Review status: criteria provided, single submitter. Criteria: Invitae Variant Classification Sherloc (09022015). Collection method: clinical testing. Allele origin: germline.
Comment: This sequence change replaces glutamic acid with lysine at codon 592 of the PAPSS2 protein (p.Glu592Lys). The glutamic acid residue is moderately conserved and there is a small physicochemical difference between glutamic acid and lysine. This variant is present in population databases (rs374912864, ExAC 0.006%). This variant has not been reported in the literature in individuals affected with PAPSS2-related conditions. Algorithms developed to predict the effect of missense changes on protein structure and function (SIFT, PolyPhen-2, Align-GVGD) all suggest that this variant is likely to be tolerated. In summary, the available evidence is currently insufficient to determine the role of this variant in disease. Therefore, it has been classified as a Variant of Uncertain Significance.